The following is an entry in ClinVar:

NM_001370259.2(MEN1):c.*9G>T

Gene: MEN1 (menin 1; minus strand). Cytogenetic location: 11q13.1.
Variant type: single nucleotide variant.
Coding change: c.*9G>T on transcript NM_001370259.2 (MANE Select); 9 bases downstream of the stop codon, G replaced by T.
Molecular consequence: 3 prime UTR variant. On other transcripts: non-coding transcript variant (4).
Genome position (GRCh38, 1-based): chr11:64,804,325, C>A on the plus strand (G>T on the coding strand, the complement: MEN1 is on the minus strand). VCF-style: chr11-64804325-C-A. GRCh37 (hg19) VCF-style: chr11-64571797-C-A.
Other names: c.*9G>T (NM_001370261.2, NM_001370262.2, NM_001370251.2 and 20 more transcripts).
Identifiers: ClinVar variation 3773307 (VCV003773307.1).
Genomic context (GRCh38, chr11:64,804,325, plus strand): 5'-ATGGGCTCAGAGTTGGGGGACTAAGGGCGGAGCCTGGGTCCCCACAAGCGGTCCGAAGTC[C>A]CCAGTAGTTCAGAGGCCTTTGCGCTGCCGCTTGAGGAAAGACAGAGTGTAGTCACTAGGG-3'

ClinVar aggregate classification (germline): Benign (1 of 4 stars; one submission).

Conditions:
Multiple endocrine neoplasia, type 1 (MEN1). Also called: MEN I; WERMER SYNDROME; Endocrine adenomatosis multiple; MEN 1; MEA I. Identifiers: Orphanet 652, MedGen C0025267, MeSH D018761, MONDO:0007540, OMIM 131100.

Submission:

Myriad Genetics, Inc.
Classification: Benign for Multiple endocrine neoplasia, type 1. Last evaluated: 2024-11-05. Review status: criteria provided, single submitter. Criteria: Myriad Autosomal Dominant, Autosomal Recessive and X-Linked Classification Criteria (2023). Collection method: clinical testing. Allele origin: unknown.
Comment: This variant is considered benign. This variant occurs in the non-coding 3' untranslated region of the gene, and is not expected to impact protein function.